The following is an entry in ClinVar:

ClinVar aggregate classification (germline): Likely benign. Review status: criteria provided, multiple submitters, no conflicts (2 of 4 stars). 4 submissions from 4 submitters: Likely benign (3). 1 of the submissions does not count toward it. Last evaluated 2026-03-01.

Conditions:
KCNT1-related disorder. Also called: KCNT1-related condition.
Developmental and epileptic encephalopathy, 14 (DEE14). Also called: Early infantile epileptic encephalopathy 14. Identifiers: Orphanet 293181, MedGen C3554195, MONDO:0013989, OMIM 614959.
Autosomal dominant nocturnal frontal lobe epilepsy 5. Also called: CILIARY DYSKINESIA, PRIMARY, 28, WITH SITUS INVERSUS; Epilepsy, nocturnal frontal lobe, 5; CILIARY DYSKINESIA, PRIMARY, 28, WITHOUT SITUS INVERSUS; KCNT1-Related Epilepsy. Identifiers: Orphanet 98784, MedGen C3554306, MONDO:0014002, OMIM 615005.

Allele frequency attached by ClinVar (database versions not stated): gnomAD 0.00004 and 0.00006; TOPMed 0.00008; gnomAD exomes 0.00011 and 0.00020; 1000 Genomes Project 30x 0.00016; 1000 Genomes Project 0.00020; ExAC 0.00048.
gnomAD v4.1: 165 of 1,577,490 alleles (0.01%); highest among the groups gnomAD compares: South Asian, 0.06%; no homozygotes.

Submissions (4):

CeGaT Center for Human Genetics Tuebingen
Classification: Likely benign. Last evaluated: 2026-03-01. Review status: criteria provided, single submitter. Criteria: CeGaT Center For Human Genetics Tuebingen Variant Classification Criteria Version 2. Collection method: clinical testing. Allele origin: germline. Affected: yes. Observed: 2 variant alleles.
Comment: KCNT1: PP3, BS1

Labcorp Genetics (formerly Invitae), Labcorp
Classification: Likely benign for Autosomal dominant nocturnal frontal lobe epilepsy 5; Developmental and epileptic encephalopathy, 14. Last evaluated: 2025-10-01. Review status: criteria provided, single submitter. Criteria: Invitae Variant Classification Sherloc (09022015). Collection method: clinical testing. Allele origin: germline.

Blueprint Genetics
Classification: Likely benign. Last evaluated: 2024-10-31. Review status: criteria provided, single submitter. Criteria: ACMG Guidelines, 2015. Collection method: clinical testing. Allele origin: germline.

PreventionGenetics, part of Exact Sciences
Classification: Likely benign for KCNT1-related condition. Last evaluated: 2020-05-11. Review status: no assertion criteria provided. Collection method: clinical testing. Allele origin: germline. Not counted in ClinVar's aggregate classification.
Comment: This variant is classified as likely benign based on ACMG/AMP sequence variant interpretation guidelines (Richards et al. 2015 PMID: 25741868, with internal and published modifications).

NM_020822.3(KCNT1):c.2594+7C>T

Gene: KCNT1 (potassium sodium-activated channel subfamily T member 1; plus strand). Cytogenetic location: 9q34.3.
Variant type: single nucleotide variant.
Coding change: c.2594+7C>T on transcript NM_020822.3 (MANE Select); 7 bases into the intron after coding-DNA position 2594, C replaced by T.
Molecular consequence: intron variant.
Genome position (GRCh38, 1-based): chr9:135,778,502, C>T. VCF-style: chr9-135778502-C-T. GRCh37 (hg19) VCF-style: chr9-138670348-C-T.
Other names: c.2459+7C>T (NM_001272003.2).
Identifiers: ClinVar variation 417213 (VCV000417213.54), dbSNP rs545094921, ClinGen allele CA5327343.